The following is an entry in ClinVar:

ClinVar aggregate classification (germline): Uncertain significance (1 of 4 stars; one submission).

Conditions:
Kostmann syndrome (SCN3). Also called: Autosomal recessive severe congenital neutropenia type 3; KOSTMANN DISEASE. Identifiers: Orphanet 99749, MedGen C5235141, MONDO:0012548, OMIM 610738.

gnomAD v4.1: 9 of 1,613,400 alleles (0.00056%); highest among the groups gnomAD compares: Non-Finnish European, 0.00076%; no homozygotes.

Submission:

Labcorp Genetics (formerly Invitae), Labcorp
Classification: Uncertain significance for Kostmann syndrome. Last evaluated: 2025-09-03. Review status: criteria provided, single submitter. Criteria: Invitae Variant Classification Sherloc (09022015). Collection method: clinical testing. Allele origin: germline.
Comment: This sequence change replaces glycine, which is neutral and non-polar, with alanine, which is neutral and non-polar, at codon 251 of the HAX1 protein (p.Gly251Ala). This variant is not present in population databases (gnomAD no frequency). This variant has not been reported in the literature in individuals affected with HAX1-related conditions. An algorithm developed to predict the effect of missense changes on protein structure and function outputs the following: PolyPhen-2: "Benign". The alanine amino acid residue is found in multiple mammalian species, which suggests that this missense change does not adversely affect protein function. In summary, the available evidence is currently insufficient to determine the role of this variant in disease. Therefore, it has been classified as a Variant of Uncertain Significance.

NM_006118.4(HAX1):c.752G>C (p.Gly251Ala)

Gene: HAX1 (HCLS1 associated protein X-1; plus strand). Cytogenetic location: 1q21.3.
Variant type: single nucleotide variant.
Coding change: c.752G>C on transcript NM_006118.4 (MANE Select); coding-DNA position 752, G replaced by C.
Protein change: p.Gly251Ala; replaces glycine 251 with alanine.
Molecular consequence: missense variant.
Genome position (GRCh38, 1-based): chr1:154,275,481, G>C. VCF-style: chr1-154275481-G-C. GRCh37 (hg19) VCF-style: chr1-154247957-G-C.
Other names: c.608G>C, p.Gly203Ala (NM_001018837.2); short protein forms G203A, G251A.
Identifiers: ClinVar variation 4797611 (VCV004797611.1).